The following is an entry in ClinVar:

ClinVar aggregate classification (germline): Uncertain significance (1 of 4 stars; one submission).

Conditions:
Familial hemophagocytic lymphohistiocytosis 2 (FHL2). Also called: PRF1-Related Familial Hemophagocytic Lymphohistiocytosis (PRF1-fHLH). Identifiers: Orphanet 540, MedGen C1863727, MONDO:0011337, OMIM 603553.

Submission:

Labcorp Genetics (formerly Invitae), Labcorp
Classification: Uncertain significance for Familial hemophagocytic lymphohistiocytosis 2. Last evaluated: 2021-12-02. Review status: criteria provided, single submitter. Criteria: Invitae Variant Classification Sherloc (09022015). Collection method: clinical testing. Allele origin: germline.
Comment: A copy number gain of the genomic region encompassing the full coding sequence of the PRF1 gene has been identified. The boundaries of this event are unknown as they extend beyond the assayed region for this gene and therefore may encompass additional genes. As the precise location of this event is unknown, it may be in tandem or it may be located elsewhere in the genome. This variant has not been reported in the literature in individuals affected with PRF1-related conditions. In summary, the available evidence is currently insufficient to determine the role of this variant in disease. Therefore, it has been classified as a Variant of Uncertain Significance.

NC_000010.10:g.(?_72357809)_(72360658_?)dup

Gene: PRF1 (perforin 1; minus strand). Cytogenetic location: 10q22.1.
Variant type: Duplication.
Identifiers: ClinVar variation 2423668 (VCV002423668.3).